The following is an entry in ClinVar:

NM_001084.5(PLOD3):c.340T>C (p.Tyr114His)

Gene: PLOD3 (procollagen-lysine,2-oxoglutarate 5-dioxygenase 3; minus strand). Cytogenetic location: 7q22.1.
Variant type: single nucleotide variant.
Coding change: c.340T>C on transcript NM_001084.5 (MANE Select); coding-DNA position 340, T replaced by C.
Protein change: p.Tyr114His; replaces tyrosine 114 with histidine.
Molecular consequence: missense variant.
Genome position (GRCh38, 1-based): chr7:101,216,325, A>G on the plus strand (T>C on the coding strand, the complement: PLOD3 is on the minus strand). VCF-style: chr7-101216325-A-G. GRCh37 (hg19) VCF-style: chr7-100859606-A-G.
Other names: short protein forms Y114H.
Identifiers: ClinVar variation 4813101 (VCV004813101.1).

ClinVar aggregate classification (germline): Uncertain significance (1 of 4 stars; one submission).

Conditions:
Congenital portosystemic shunt. Identifiers: Orphanet 480531, MedGen C1290495, MONDO:0018811.

Submission:

Department of Pediatrics, Graduate School of Medical Sciences, Kyushu University
Classification: Uncertain significance for Congenital portosystemic shunt. Last evaluated: 2026-02-27. Review status: criteria provided, single submitter. Criteria: ACMG Guidelines, 2015. Collection method: research. Allele origin: germline. Affected: yes.
Comment: Both variants are rare or absent in population databases such as gnomAD, and in silico prediction tools including CADD suggest potential deleterious effects. However, the relationship between this gene and CPSS has not been established. Therefore, the clinical significance of this variant is currently classified as a variant of uncertain significance (VUS).